The following is an entry in ClinVar:

ClinVar aggregate classification (germline): Likely pathogenic (1 of 4 stars; one submission).

Conditions:
Pyruvate dehydrogenase E1-alpha deficiency (PDHAD). Also called: ATAXIA, INTERMITTENT, WITH PYRUVATE DEHYDROGENASE DEFICIENCY; ATAXIA WITH LACTIC ACIDOSIS I; ATAXIA, INTERMITTENT, WITH ABNORMAL PYRUVATE METABOLISM; Ataxia, intermittent, with pyruvate dehydrogenase, or decarboxylase, deficiency. Identifiers: Orphanet 79243, MedGen C1839413, MONDO:0010717, OMIM 312170.

Submission:

Institute of Human Genetics, University of Leipzig Medical Center
Classification: Likely pathogenic for Pyruvate dehydrogenase E1-alpha deficiency. Last evaluated: 2019-01-01. Review status: criteria provided, single submitter. Criteria: ACMG Guidelines, 2015. Collection method: clinical testing. Allele origin: de novo. Affected: yes.
Comment: This variant was identified as de novo.

NM_000284.4(PDHA1):c.1098C>A (p.Tyr366Ter)

Gene: PDHA1 (pyruvate dehydrogenase E1 subunit alpha 1; plus strand). Cytogenetic location: Xp22.12.
Variant type: single nucleotide variant.
Coding change: c.1098C>A on transcript NM_000284.4 (MANE Select); coding-DNA position 1098, C replaced by A.
Protein change: p.Tyr366Ter; replaces tyrosine 366 with a stop codon.
Molecular consequence: nonsense.
Genome position (GRCh38, 1-based): chrX:19,359,578, C>A. VCF-style: chrX-19359578-C-A. GRCh37 (hg19) VCF-style: chrX-19377696-C-A.
Other names: c.1212C>A, p.Tyr404Ter (NM_001173454.2); c.1119C>A, p.Tyr373Ter (NM_001173455.2); c.1005C>A, p.Tyr335Ter (NM_001173456.2); short protein forms Y335*, Y366*, Y373*, Y404*.
Identifiers: ClinVar variation 982849 (VCV000982849.1), dbSNP rs2063246734, ClinGen allele CA412396847.